The following is an entry in ClinVar:

ClinVar aggregate classification (germline): Uncertain significance (1 of 4 stars; one submission).

Conditions:
Short-rib thoracic dysplasia 14 with polydactyly (SRTD14). Identifiers: Orphanet 397715, MedGen C4225286, MONDO:0014688, OMIM 616546.
Joubert syndrome 23 (JBTS23). Identifiers: Orphanet 475, MedGen C4084822, MONDO:0014664, OMIM 616490.

Submission:

Labcorp Genetics (formerly Invitae), Labcorp
Classification: Uncertain significance for Joubert syndrome 23; Short-rib thoracic dysplasia 14 with polydactyly. Last evaluated: 2021-11-28. Review status: criteria provided, single submitter. Criteria: Invitae Variant Classification Sherloc (09022015). Collection method: clinical testing. Allele origin: germline.
Comment: Algorithms developed to predict the effect of missense changes on protein structure and function are either unavailable or do not agree on the potential impact of this missense change (SIFT: "Deleterious"; PolyPhen-2: "Possibly Damaging"; Align-GVGD: "Class C0"). This variant has not been reported in the literature in individuals affected with KIAA0586-related conditions. This variant is not present in population databases (gnomAD no frequency). This sequence change replaces serine, which is neutral and polar, with isoleucine, which is neutral and non-polar, at codon 1603 of the KIAA0586 protein (p.Ser1603Ile). In summary, the available evidence is currently insufficient to determine the role of this variant in disease. Therefore, it has been classified as a Variant of Uncertain Significance.

NM_001329943.3(KIAA0586):c.4564G>T (p.Val1522Leu)

Gene: KIAA0586 (KIAA0586; plus strand). Cytogenetic location: 14q23.1.
Variant type: single nucleotide variant.
Coding change: c.4564G>T on transcript NM_001329943.3 (MANE Select); coding-DNA position 4564, G replaced by T.
Protein change: p.Val1522Leu; replaces valine 1522 with leucine.
Molecular consequence: missense variant.
Genome position (GRCh38, 1-based): chr14:58,547,849, G>T. VCF-style: chr14-58547849-G-T. GRCh37 (hg19) VCF-style: chr14-59014567-G-T.
Other names: c.4808G>T, p.Ser1603Ile (NM_001244189.2); c.4519G>T, p.Val1507Leu (NM_001244190.2); c.4309G>T, p.Val1437Leu (NM_001244191.2, NM_001364701.2); c.4432G>T, p.Val1478Leu (NM_001244192.2, NM_001329947.2); c.4649G>T, p.Ser1550Ile (NM_001329944.2); c.4243G>T, p.Val1415Leu (NM_001329945.2); c.4498G>T, p.Val1500Leu (NM_001329946.2); c.4336G>T, p.Val1446Leu (NM_014749.5); short protein forms S1603I, V1500L, V1522L, V1415L, V1478L, V1446L, S1550I, V1437L.
Identifiers: ClinVar variation 1506186 (VCV001506186.6), dbSNP rs542432352, ClinGen allele CA390059407.